The following is an entry in ClinVar:

ClinVar aggregate classification (germline): Uncertain significance (1 of 4 stars; one submission).

Conditions:
Immunodeficiency, common variable, 7. Identifiers: Orphanet 1572, Orphanet 696894, MedGen C3542922, MONDO:0013862, OMIM 614699.

Allele frequency attached by ClinVar (database versions not stated): ESP Exome Variant Server 0.00008; gnomAD exomes below 0.00001.
gnomAD v4.1: 1 of 1,613,484 alleles (0.000062%); highest among the groups gnomAD compares: Non-Finnish European, 0.000085%; no homozygotes.

Submission:

Labcorp Genetics (formerly Invitae), Labcorp
Classification: Uncertain significance for Immunodeficiency, common variable, 7. Last evaluated: 2020-12-02. Review status: criteria provided, single submitter. Criteria: Invitae Variant Classification Sherloc (09022015). Collection method: clinical testing. Allele origin: germline.
Comment: This sequence change replaces glutamic acid with lysine at codon 1078 of the CR2 protein (p.Glu1078Lys). The glutamic acid residue is moderately conserved and there is a small physicochemical difference between glutamic acid and lysine. This variant is not present in population databases (ExAC no frequency). This variant has not been reported in the literature in individuals with CR2-related conditions. Algorithms developed to predict the effect of missense changes on protein structure and function are either unavailable or do not agree on the potential impact of this missense change (SIFT: "Tolerated"; PolyPhen-2: "Possibly Damaging"; Align-GVGD: "Class C0"). In summary, the available evidence is currently insufficient to determine the role of this variant in disease. Therefore, it has been classified as a Variant of Uncertain Significance.

NM_001006658.3(CR2):c.3232G>A (p.Glu1078Lys)

Gene: CR2 (complement C3d receptor 2; plus strand). Cytogenetic location: 1q32.2.
Variant type: single nucleotide variant.
Coding change: c.3232G>A on transcript NM_001006658.3 (MANE Select); coding-DNA position 3232, G replaced by A.
Protein change: p.Glu1078Lys; replaces glutamic acid 1078 with lysine.
Molecular consequence: missense variant.
Genome position (GRCh38, 1-based): chr1:207,485,507, G>A. VCF-style: chr1-207485507-G-A. GRCh37 (hg19) VCF-style: chr1-207658852-G-A.
Other names: c.3055G>A, p.Glu1019Lys (NM_001877.5); short protein forms E1019K, E1078K.
Identifiers: ClinVar variation 1471338 (VCV001471338.8), dbSNP rs142489316, ClinGen allele CA36655328.
Genomic context (GRCh38, chr1:207,485,507, plus strand): 5'-TTTCTTCTTCTGTTTAGCAATTATTATACAGATACAAGCCAGAAAGAAGCTTTTCATTTA[G>A]AAGCACGAGAAGTATATTCTGTTGATCCATACAACCCAGCCAGCTGATCAGAAGACAAAC-3'
Protein context (NP_001006659.1, residues 1068-1088): DTSQKEAFHL[Glu1078Lys]AREVYSVDPY